The following is an entry in ClinVar:

NM_001042492.3(NF1):c.768del (p.Phe256fs)

Gene: NF1 (neurofibromin 1; plus strand). Cytogenetic location: 17q11.2.
Variant type: Deletion.
Coding change: c.768del on transcript NM_001042492.3 (MANE Select); coding-DNA position 768, one base deleted (T; older notation c.768delT).
Protein change: p.Phe256fs; shifts the reading frame from phenylalanine 256.
Molecular consequence: frameshift variant.
Genome position (GRCh38, 1-based): chr17:31,182,545, T deleted; the last of 4 consecutive T bases (chr17:31,182,542-31,182,545); deleting any one gives the same sequence. VCF-style (leftmost placement, unchanged base first): chr17-31182541-GT-G. GRCh37 (hg19) VCF-style: chr17-29509559-GT-G.
Other names: c.768delT (NM_000267.3); c.768delT, p.Phe256Leufs (NM_000267.4); c.768del, p.Phe256fs (NM_001128147.3); short protein forms F256fs.
Identifiers: ClinVar variation 827194 (VCV000827194.6), dbSNP rs1597659830, ClinGen allele CA915949769.
Genomic context (GRCh38, chr17:31,182,541, plus strand): 5'-ATGTCATTTAATATATTTTTCATGCAGAATGTGCAGAAAAGCTATTTGACTTGGTGGATG[GT>G]TTTGCTGAAAGCACCAAACGTAAAGCAGCAGTTTGGCCACTACAAATCATTCTCCTTATC-3'

ClinVar aggregate classification (germline): Pathogenic/Likely pathogenic. Review status: criteria provided, multiple submitters, no conflicts (2 of 4 stars). 2 submissions from 2 submitters: Pathogenic (1); Likely pathogenic (1). Last evaluated 2019-05-01.

Conditions:
Hereditary cancer-predisposing syndrome. Also called: Neoplastic Syndromes, Hereditary; Tumor predisposition; Hereditary neoplastic syndrome; Hereditary Cancer Syndrome. Identifiers: Orphanet 140162, MedGen C0027672, MeSH D009386, MONDO:0015356.
Cardiovascular phenotype. Identifiers: MedGen CN230736.
Hereditary breast ovarian cancer syndrome. Also called: Hereditary breast and ovarian cancer syndrome; Hereditary breast and ovarian cancer; Hereditary breast and ovarian cancer syndrome (HBOC); Breast and ovarian cancer; Hereditary breast and/or ovarian cancer syndrome; BRCA1- and BRCA2-Associated Hereditary Breast and Ovarian Cancer. Identifiers: Orphanet 145, MedGen C0677776, MeSH D061325, MONDO:0003582. Disease mechanism: loss of function.

Submissions (2):

Cancer Genomics Group, Japanese Foundation For Cancer Research
Classification: Likely pathogenic for Hereditary breast and ovarian cancer syndrome. Last evaluated: 2019-05-01. Review status: criteria provided, single submitter. Criteria: ACMG Guidelines, 2015. Collection method: research. Allele origin: germline. Affected: yes.

Ambry Genetics
Classification: Pathogenic for Cardiovascular phenotype; Hereditary cancer-predisposing syndrome. Last evaluated: 2019-02-13. Review status: criteria provided, single submitter. Criteria: Ambry Variant Classification Scheme 2023. Collection method: clinical testing. Allele origin: germline.
Comment: The c.768delT pathogenic mutation, located in coding exon 8 of the NF1 gene, results from a deletion of one nucleotide at nucleotide position 768, causing a translational frameshift with a predicted alternate stop codon (p.F256Lfs*25). This alteration is expected to result in loss of function by premature protein truncation or nonsense-mediated mRNA decay. As such, this alteration is interpreted as a disease-causing mutation.